The following is an entry in ClinVar:

NM_001042492.3(NF1):c.5563C>T (p.Leu1855Phe)

Gene: NF1 (neurofibromin 1; plus strand). Cytogenetic location: 17q11.2.
Variant type: single nucleotide variant.
Coding change: c.5563C>T on transcript NM_001042492.3 (MANE Select); coding-DNA position 5563, C replaced by T.
Protein change: p.Leu1855Phe; replaces leucine 1855 with phenylalanine.
Molecular consequence: missense variant.
Genome position (GRCh38, 1-based): chr17:31,327,793, C>T. VCF-style: chr17-31327793-C-T. GRCh37 (hg19) VCF-style: chr17-29654811-C-T.
Other names: c.5500C>T, p.Leu1834Phe (NM_000267.4); short protein forms L1834F, L1855F.
Identifiers: ClinVar variation 837447 (VCV000837447.11), dbSNP rs2069385474, ClinGen allele CA399009925.

ClinVar aggregate classification (germline): Uncertain significance. Review status: criteria provided, multiple submitters, no conflicts (2 of 4 stars). 4 submissions from 4 submitters: Uncertain significance (4). Last evaluated 2025-06-15.

Conditions:
Hereditary cancer-predisposing syndrome. Also called: Neoplastic Syndromes, Hereditary; Hereditary neoplastic syndrome; Tumor predisposition; Hereditary Cancer Syndrome. Identifiers: Orphanet 140162, MedGen C0027672, MeSH D009386, MONDO:0015356.
Cardiovascular phenotype. Identifiers: MedGen CN230736.
Neurofibromatosis, type 1 (NF1). Also called: Peripheral type neurofibromatosis; Neurofibromatosis, type I; VON RECKLINGHAUSEN DISEASE; NEUROFIBROMATOSIS, TYPE I, SOMATIC. Identifiers: Orphanet 636, MedGen C0027831, MONDO:0018975, OMIM 162200. Disease mechanism: loss of function.

Submissions (4):

Labcorp Genetics (formerly Invitae), Labcorp
Classification: Uncertain significance for Neurofibromatosis, type 1. Last evaluated: 2025-06-15. Review status: criteria provided, single submitter. Criteria: Invitae Variant Classification Sherloc (09022015). Collection method: clinical testing. Allele origin: germline.
Comment: This sequence change replaces leucine, which is neutral and non-polar, with phenylalanine, which is neutral and non-polar, at codon 1834 of the NF1 protein (p.Leu1834Phe). This variant is not present in population databases (gnomAD no frequency). This variant has not been reported in the literature in individuals affected with NF1-related conditions. ClinVar contains an entry for this variant (Variation ID: 837447). Invitae Evidence Modeling of protein sequence and biophysical properties (such as structural, functional, and spatial information, amino acid conservation, physicochemical variation, residue mobility, and thermodynamic stability) indicates that this missense variant is expected to disrupt NF1 protein function with a positive predictive value of 95%. In summary, the available evidence is currently insufficient to determine the role of this variant in disease. Therefore, it has been classified as a Variant of Uncertain Significance.

Ambry Genetics
Classification: Uncertain significance for Cardiovascular phenotype; Hereditary cancer-predisposing syndrome. Last evaluated: 2022-12-22. Review status: criteria provided, single submitter. Criteria: Ambry Variant Classification Scheme 2023. Collection method: clinical testing. Allele origin: germline.
Comment: The p.L1834F variant (also known as c.5500C>T), located in coding exon 37 of the NF1 gene, results from a C to T substitution at nucleotide position 5500. The leucine at codon 1834 is replaced by phenylalanine, an amino acid with highly similar properties. This amino acid position is highly conserved in available vertebrate species. In addition, this alteration is predicted to be deleterious by in silico analysis. Since supporting evidence is limited at this time, the clinical significance of this alteration remains unclear.

Genome-Nilou Lab
Classification: Uncertain significance for Neurofibromatosis, type 1. Last evaluated: 2022-03-15. Review status: criteria provided, single submitter. Criteria: ACMG Guidelines, 2015. Collection method: clinical testing. Allele origin: germline. Affected: no.

Women's Health and Genetics/Laboratory Corporation of America, LabCorp
Classification: Uncertain significance. Last evaluated: 2021-11-08. Review status: criteria provided, single submitter. Criteria: LabCorp Variant Classification Summary - May 2015. Collection method: clinical testing. Allele origin: germline.
Comment: Variant summary: NF1 c.5500C>T (p.Leu1834Phe) results in a non-conservative amino acid change in the encoded protein sequence. Five of five in-silico tools predict a damaging effect of the variant on protein function. The variant was absent in 251332 control chromosomes (gnomAD). The available data on variant occurrences in the general population are insufficient to allow any conclusion about variant significance. To our knowledge, no occurrence of c.5500C>T in individuals affected with Neurofibromatosis Type 1 and no experimental evidence demonstrating its impact on protein function have been reported. One clinical diagnostic laboratory has submitted clinical-significance assessments for this variant to ClinVar after 2014 and classified the variant as uncertain significance. Based on the evidence outlined above, the variant was classified as uncertain significance.